The following is an entry in ClinVar:

ClinVar aggregate classification (germline): Uncertain significance. Review status: criteria provided, multiple submitters, no conflicts (2 of 4 stars). 3 submissions from 3 submitters: Uncertain significance (3). Last evaluated 2024-12-23.

Allele frequency attached by ClinVar (database versions not stated): gnomAD exomes 0.00003 and 0.00004; ExAC 0.00011; gnomAD 0.00011 and 0.00012; TOPMed 0.00014; 1000 Genomes Project 30x 0.00016.
gnomAD v4.1: 60 of 1,550,496 alleles (0.0039%); highest among the groups gnomAD compares: African/African-American, 0.038%; no homozygotes.

Submissions (3):

Labcorp Genetics (formerly Invitae), Labcorp
Classification: Uncertain significance. Last evaluated: 2024-12-23. Review status: criteria provided, single submitter. Criteria: Invitae Variant Classification Sherloc (09022015). Collection method: clinical testing. Allele origin: germline.
Comment: This sequence change replaces glutamic acid, which is acidic and polar, with lysine, which is basic and polar, at codon 3898 of the ZNF469 protein (p.Glu3898Lys). This variant is present in population databases (rs773010511, gnomAD 0.02%). This missense change has been observed in individual(s) with clinical features of ZNF469-related disease (PMID: 29228253). ClinVar contains an entry for this variant (Variation ID: 1308198). An algorithm developed to predict the effect of missense changes on protein structure and function (PolyPhen-2) suggests that this variant is likely to be disruptive. In summary, the available evidence is currently insufficient to determine the role of this variant in disease. Therefore, it has been classified as a Variant of Uncertain Significance.

Women's Health and Genetics/Laboratory Corporation of America, LabCorp
Classification: Uncertain significance. Last evaluated: 2024-08-07. Review status: criteria provided, single submitter. Criteria: LabCorp Variant Classification Summary - May 2015. Collection method: clinical testing. Allele origin: germline.
Comment: Variant summary: ZNF469 c.11776G>A (p.Glu3926Lys) results in a conservative amino acid change in the encoded protein sequence. Three of four in-silico tools predict a benign effect of the variant on protein function. The variant allele was found at a frequency of 3.9e-05 in 153626 control chromosomes. The available data on variant occurrences in the general population are insufficient to allow any conclusion about variant significance. c.11776G>A has been reported in the literature in an individual affected with Keratoconus (Lucas_2017). This report does not provide unequivocal conclusions about association of the variant with Brittle Cornea Syndrome 1. To our knowledge, no experimental evidence demonstrating an impact on protein function has been reported. The following publication has been ascertained in the context of this evaluation (PMID: 29228253). ClinVar contains an entry for this variant (Variation ID: 1308198). Based on the evidence outlined above, the variant was classified as uncertain significance.

GeneDx
Classification: Uncertain significance. Last evaluated: 2021-04-13. Review status: criteria provided, single submitter. Criteria: GeneDx Variant Classification Process June 2021. Collection method: clinical testing. Allele origin: germline. Affected: yes.
Comment: In silico analysis supports that this missense variant does not alter protein structure/function; This variant is associated with the following publications: (PMID: 29228253)

Literature cited by the submitters: PubMed 29228253 (cited by Labcorp Genetics (formerly Invitae), Labcorp and Women's Health and Genetics/Laboratory Corporation of America, LabCorp).

NM_001367624.2(ZNF469):c.11776G>A (p.Glu3926Lys)

Gene: ZNF469 (zinc finger protein 469; plus strand). Cytogenetic location: 16q24.2.
Variant type: single nucleotide variant.
Coding change: c.11776G>A on transcript NM_001367624.2 (MANE Select); coding-DNA position 11776, G replaced by A.
Protein change: p.Glu3926Lys; replaces glutamic acid 3926 with lysine.
Molecular consequence: missense variant.
Genome position (GRCh38, 1-based): chr16:88,439,246, G>A. VCF-style: chr16-88439246-G-A. GRCh37 (hg19) VCF-style: chr16-88505654-G-A.
Other names: NM_001127464.1:c.11692G>A; short protein forms E3926K.
Identifiers: ClinVar variation 1308198 (VCV001308198.4), dbSNP rs773010511, ClinGen allele CA8225646.
Genomic context (GRCh38, chr16:88,439,246, plus strand): 5'-AAGAGGGGCACAGCTGTCCACGGTGCTGAACCTGCCGAGCCACACACCCACCGGACGGCC[G>A]AGGCCCAGAGTGACCTCCTCAGCCAGCTCTTCGGGCAGAGACTAACTGGCTTCAAAATCC-3'
Protein context (NP_001354553.1, residues 3916-3936): PAEPHTHRTA[Glu3926Lys]AQSDLLSQLF